The following is an entry in ClinVar:

ClinVar aggregate classification (germline): Likely benign (0 of 4 stars; one submission).

Conditions:
HTR2C-related disorder. Also called: HTR2C-related condition.

gnomAD v4.1: 3 of 1,210,756 alleles (0.00025%); highest among the groups gnomAD compares: Non-Finnish European, 0.00011%; no homozygotes.

Submission:

PreventionGenetics, part of Exact Sciences
Classification: Likely benign for HTR2C-related condition. Last evaluated: 2023-03-20. Review status: no assertion criteria provided. Collection method: clinical testing. Allele origin: germline.
Comment: This variant is classified as likely benign based on ACMG/AMP sequence variant interpretation guidelines (Richards et al. 2015 PMID: 25741868, with internal and published modifications).

NM_000868.4(HTR2C):c.1131G>A (p.Arg377=)

Genes: HTR2C (5-hydroxytryptamine receptor 2C; plus strand), LOC126863306 (MED14-independent group 3 enhancer GRCh37_chrX:114140926-114142125; plus strand). Cytogenetic location: Xq23.
Variant type: single nucleotide variant.
Coding change: c.1131G>A on transcript NM_000868.4 (MANE Select); coding-DNA position 1131, G replaced by A.
Protein change: p.Arg377=; no amino-acid change (arginine 377 retained).
Molecular consequence: synonymous variant. On other transcripts: 3 prime UTR variant (1).
Genome position (GRCh38, 1-based): chrX:114,907,169, G>A. VCF-style: chrX-114907169-G-A. GRCh37 (hg19) VCF-style: chrX-114141732-G-A.
Other names: c.1131G>A, p.Arg377= (NM_001256760.3); c.*289G>A (NM_001256761.3).
Identifiers: ClinVar variation 3356324 (VCV003356324.1).